The following is an entry in ClinVar:

ClinVar aggregate classification (germline): Uncertain significance. Review status: criteria provided, multiple submitters, no conflicts (2 of 4 stars). 3 submissions from 3 submitters: Uncertain significance (3). Last evaluated 2024-02-27.

Allele frequency attached by ClinVar (database versions not stated): TOPMed 0.00003; gnomAD exomes 0.00005 and 0.00004; ExAC 0.00005; gnomAD 0.00003.
gnomAD v4.1: 76 of 1,613,394 alleles (0.0047%); highest among the groups gnomAD compares: Non-Finnish European, 0.0063%; no homozygotes.

Submissions (3):

Blueprint Genetics
Classification: Uncertain significance. Last evaluated: 2024-02-27. Review status: criteria provided, single submitter. Criteria: ACMG Guidelines, 2015. Collection method: clinical testing. Allele origin: germline.

Labcorp Genetics (formerly Invitae), Labcorp
Classification: Uncertain significance. Last evaluated: 2022-10-13. Review status: criteria provided, single submitter. Criteria: Invitae Variant Classification Sherloc (09022015). Collection method: clinical testing. Allele origin: germline.
Comment: This sequence change replaces glutamic acid, which is acidic and polar, with glycine, which is neutral and non-polar, at codon 985 of the PCARE protein (p.Glu985Gly). This variant is present in population databases (rs398123539, gnomAD 0.008%). This variant has not been reported in the literature in individuals affected with PCARE-related conditions. ClinVar contains an entry for this variant (Variation ID: 93473). Algorithms developed to predict the effect of missense changes on protein structure and function output the following: SIFT: "Deleterious"; PolyPhen-2: "Benign"; Align-GVGD: "Class C15". The glycine amino acid residue is found in multiple mammalian species, which suggests that this missense change does not adversely affect protein function. In summary, the available evidence is currently insufficient to determine the role of this variant in disease. Therefore, it has been classified as a Variant of Uncertain Significance.

Eurofins Ntd Llc (ga)
Classification: Uncertain significance. Last evaluated: 2013-10-03. Review status: criteria provided, single submitter. Criteria: EGL Classification Definitions 2015. Collection method: clinical testing. Allele origin: germline. Observed: 1 variant allele, 1 heterozygote.

NM_001029883.3(PCARE):c.2954A>G (p.Glu985Gly)

Gene: PCARE (photoreceptor cilium actin regulator; minus strand). Cytogenetic location: 2p23.2.
Variant type: single nucleotide variant.
Coding change: c.2954A>G on transcript NM_001029883.3 (MANE Select); coding-DNA position 2954, A replaced by G.
Protein change: p.Glu985Gly; replaces glutamic acid 985 with glycine.
Molecular consequence: missense variant.
Genome position (GRCh38, 1-based): chr2:29,071,308, T>C on the plus strand (A>G on the coding strand, the complement: PCARE is on the minus strand). VCF-style: chr2-29071308-T-C. GRCh37 (hg19) VCF-style: chr2-29294174-T-C.
Other names: short protein forms E985G.
Identifiers: ClinVar variation 93473 (VCV000093473.12), dbSNP rs398123539, ClinGen allele CA221425.